The following is an entry in ClinVar:

ClinVar aggregate classification (germline): Pathogenic (1 of 4 stars; one submission).

Conditions:
Breast-ovarian cancer, familial, susceptibility to, 1 (BROVCA1). Also called: BRCA1 Hereditary Breast and Ovarian Cancer; OVARIAN CANCER, SUSCEPTIBILITY TO. Identifiers: Orphanet 145, MedGen C2676676, MONDO:0011450, OMIM 604370. Disease mechanism: loss of function.

Submission:

Myriad Genetics, Inc.
Classification: Pathogenic for Breast-ovarian cancer, familial, susceptibility to, 1. Last evaluated: 2024-07-30. Review status: criteria provided, single submitter. Criteria: Myriad Autosomal Dominant, Autosomal Recessive and X-Linked Classification Criteria (2023). Collection method: clinical testing. Allele origin: unknown.
Comment: This variant is considered pathogenic. This variant creates a termination codon and is predicted to result in premature protein truncation.

NM_007294.4(BRCA1):c.43_44del (p.Val14_Ile15insTer)

Gene: BRCA1 (BRCA1 DNA repair associated; minus strand). Cytogenetic location: 17q21.31.
Variant type: Deletion.
Coding change: c.43_44del on transcript NM_007294.4 (MANE Select); coding-DNA positions 43 to 44, 2 bases deleted (AT; older notation c.43_44delAT).
Protein change: p.Val14_Ile15insTer.
Molecular consequence: nonsense. On other transcripts: 5 prime UTR variant (136), intron variant (36).
Genome position (GRCh38, 1-based): chr17:43,124,053-43,124,054, AT deleted on the plus strand (AT on the coding strand, the reverse complement: BRCA1 is on the minus strand). VCF-style (leftmost placement, unchanged base first): chr17-43124052-AAT-A. GRCh37 (hg19) VCF-style: chr17-41276069-AAT-A.
Other names: c.43_44del, p.Val14_Ile15insTer (NM_001408403.1, NM_001408404.1, NM_001408406.1 and 192 more transcripts); c.-218_-217del (NM_001408410.1, NM_001407921.1, NM_001407923.1 and 22 more transcripts); c.-146_-145del (NM_001407879.1, NM_001407882.1, NM_001407884.1 and 46 more transcripts); c.-92_-91del (NM_001407881.1, NM_001407898.1, NM_001407902.1); c.-262_-261del (NM_001407889.1, NM_001408492.1); c.-265_-264del (NM_001407917.1, NM_001407954.1, NM_001408513.1); c.-244_-243del (NM_001407920.1, NM_001407697.1, NM_001407846.1); c.-45_-44del (NM_001407924.1, NM_001407925.1, NM_001407928.1 and 23 more transcripts); and 23 more.
Identifiers: ClinVar variation 3379257 (VCV003379257.1).